The following is an entry in ClinVar:

NM_001164508.2(NEB):c.4987T>A (p.Leu1663Met)

Gene: NEB (nebulin; minus strand). Cytogenetic location: 2q23.3.
Variant type: single nucleotide variant.
Coding change: c.4987T>A on transcript NM_001164508.2 (MANE Select); coding-DNA position 4987, T replaced by A.
Protein change: p.Leu1663Met; replaces leucine 1663 with methionine.
Molecular consequence: missense variant.
Genome position (GRCh38, 1-based): chr2:151,666,134, A>T on the plus strand (T>A on the coding strand, the complement: NEB is on the minus strand). VCF-style: chr2-151666134-A-T. GRCh37 (hg19) VCF-style: chr2-152522648-A-T.
Other names: c.4987T>A, p.Leu1663Met (NM_001164507.2, NM_001271208.2, NM_004543.5); short protein forms L1663M.
Identifiers: ClinVar variation 1465066 (VCV001465066.8), dbSNP rs2154178771, ClinGen allele CA348813096.

ClinVar aggregate classification (germline): Uncertain significance (1 of 4 stars; one submission).

Conditions:
Nemaline myopathy 2 (NEM2). Also called: Nemaline myopathy 2, autosomal recessive. Identifiers: MedGen C1850569, MONDO:0009725, OMIM 256030.

Submission:

Labcorp Genetics (formerly Invitae), Labcorp
Classification: Uncertain significance for Nemaline myopathy 2. Last evaluated: 2021-01-30. Review status: criteria provided, single submitter. Criteria: Invitae Variant Classification Sherloc (09022015). Collection method: clinical testing. Allele origin: germline.
Comment: This sequence change replaces leucine with methionine at codon 1663 of the NEB protein (p.Leu1663Met). The leucine residue is moderately conserved and there is a small physicochemical difference between leucine and methionine. This variant is not present in population databases (ExAC no frequency). This variant has not been reported in the literature in individuals with NEB-related conditions. Algorithms developed to predict the effect of missense changes on protein structure and function output the following: SIFT: "Deleterious"; PolyPhen-2: "Not Available"; Align-GVGD: "Class C0". The methionine amino acid residue is found in multiple mammalian species, suggesting that this missense change does not adversely affect protein function. These predictions have not been confirmed by published functional studies and their clinical significance is uncertain. In summary, the available evidence is currently insufficient to determine the role of this variant in disease. Therefore, it has been classified as a Variant of Uncertain Significance.